The following is an entry in ClinVar:

ClinVar aggregate classification (germline): Uncertain significance (1 of 4 stars; one submission).

Conditions:
Charcot-Marie-Tooth disease type 2. Also called: Charcot-Marie-Tooth type 2. Identifiers: Orphanet 64746, MedGen C0270914, MONDO:0018993.

Submission:

Labcorp Genetics (formerly Invitae), Labcorp
Classification: Uncertain significance for Charcot-Marie-Tooth disease type 2. Last evaluated: 2023-11-24. Review status: criteria provided, single submitter. Criteria: Invitae Variant Classification Sherloc (09022015). Collection method: clinical testing. Allele origin: germline.
Comment: This sequence change replaces aspartic acid, which is acidic and polar, with asparagine, which is neutral and polar, at codon 186 of the BSCL2 protein (p.Asp186Asn). This variant is not present in population databases (gnomAD no frequency). This variant has not been reported in the literature in individuals affected with BSCL2-related conditions. Advanced modeling of protein sequence and biophysical properties (such as structural, functional, and spatial information, amino acid conservation, physicochemical variation, residue mobility, and thermodynamic stability) performed at Invitae indicates that this missense variant is not expected to disrupt BSCL2 protein function with a negative predictive value of 80%. In summary, the available evidence is currently insufficient to determine the role of this variant in disease. Therefore, it has been classified as a Variant of Uncertain Significance.

NM_001122955.4(BSCL2):c.748G>A (p.Asp250Asn)

Genes: BSCL2 (BSCL2 lipid droplet biogenesis associated, seipin; minus strand), HNRNPUL2-BSCL2 (HNRNPUL2-BSCL2 readthrough (NMD candidate); minus strand). Cytogenetic location: 11q12.3.
Variant type: single nucleotide variant.
Coding change: c.748G>A on transcript NM_001122955.4 (MANE Select); coding-DNA position 748, G replaced by A.
Protein change: p.Asp250Asn; replaces aspartic acid 250 with asparagine.
Molecular consequence: missense variant. On other transcripts: non-coding transcript variant (1).
Genome position (GRCh38, 1-based): chr11:62,692,680, C>T on the plus strand (G>A on the coding strand, the complement: BSCL2 is on the minus strand). VCF-style: chr11-62692680-C-T. GRCh37 (hg19) VCF-style: chr11-62460152-C-T.
Other names: c.556G>A, p.Asp186Asn (NM_001130702.2, NM_032667.6); c.748G>A, p.Asp250Asn (NM_001386027.1, NM_001386028.1); short protein forms D250N, D186N.
Identifiers: ClinVar variation 2698778 (VCV002698778.3), dbSNP rs2539150253, ClinGen allele CA380962568.